The following is an entry in ClinVar:

ClinVar aggregate classification (germline): Likely pathogenic (1 of 4 stars; one submission).

Conditions:
Polycystic kidney disease 4 (PKD4). Also called: POLYCYSTIC KIDNEY AND HEPATIC DISEASE 1; POLYCYSTIC KIDNEY DISEASE, INFANTILE, TYPE I; POLYCYSTIC KIDNEY DISEASE 4 WITH OR WITHOUT POLYCYSTIC LIVER DISEASE; PKD3; Autosomal Recessive Polycystic Kidney Disease – PKHD1. Identifiers: MedGen C4540575, MONDO:0033004, OMIM 263200.

Submission:

Myriad Genetics, Inc.
Classification: Likely pathogenic for Polycystic kidney disease 4. Last evaluated: 2022-04-10. Review status: criteria provided, single submitter. Criteria: Myriad Women's Health Autosomal Recessive and X-Linked Classification Criteria (2021). Collection method: clinical testing. Allele origin: unknown.
Comment: NM_138694.3(PKHD1):c.3404_3413del10(N1135Ifs*82) is expected to be pathogenic in the context of autosomal recessive polycystic kidney disease, PKHD1-related. This variant is predicted to lead to an abnormal or absent protein product due to the creation of a premature termination codon in PKHD1, a gene where loss-of-function variants are known to be pathogenic. Please note: this variant was assessed in the context of healthy population screening.

NM_138694.4(PKHD1):c.3404_3413del (p.Asn1135fs)

Gene: PKHD1 (PKHD1 ciliary IPT domain containing fibrocystin/polyductin; minus strand). Cytogenetic location: 6p12.2.
Variant type: Deletion.
Coding change: c.3404_3413del on transcript NM_138694.4 (MANE Select); coding-DNA positions 3404 to 3413, 10 bases deleted (ACTATACGGA; older notation c.3404_3413delACTATACGGA).
Protein change: p.Asn1135fs; shifts the reading frame from asparagine 1135.
Molecular consequence: frameshift variant.
Genome position (GRCh38, 1-based): chr6:52,028,303-52,028,312, TCCGTATAGT deleted on the plus strand (ACTATACGGA on the coding strand, the reverse complement: PKHD1 is on the minus strand); deleting any 10 consecutive bases within chr6:52,028,303-52,028,314 gives the same sequence; the c. name uses the placement nearest the transcript's 3' end. VCF-style (leftmost placement, unchanged base first): chr6-52028302-ATCCGTATAGT-A. GRCh37 (hg19) VCF-style: chr6-51893100-ATCCGTATAGT-A.
Other names: c.3404_3413del, p.Asn1135fs (NM_170724.3); short protein forms N1135fs.
Identifiers: ClinVar variation 1725899 (VCV001725899.2), dbSNP rs2532791940, ClinGen allele CA2580075515.
Genomic context (GRCh38, chr6:52,028,302, plus strand): 5'-CCAAGCCGACTGTGTGTGAACCGGAGCCAAGGCATCCTGGACGTGGACTTCCACATCCAA[ATCCGTATAGT>A]TCATCAGCCTCGCCACTCCAATGACCAGGGTCTCACCGCCTGTGTTGAGAAGAATCCAAT-3'